The following is an entry in ClinVar:

NM_001852.4(COL9A2):c.127G>A (p.Val43Met)

Genes: COL9A2 (collagen type IX alpha 2 chain; minus strand), LOC129930261 (ATAC-STARR-seq lymphoblastoid silent region 724; plus strand). Cytogenetic location: 1p34.2.
Variant type: single nucleotide variant.
Coding change: c.127G>A on transcript NM_001852.4 (MANE Select); coding-DNA position 127, G replaced by A.
Protein change: p.Val43Met; replaces valine 43 with methionine.
Molecular consequence: missense variant.
Genome position (GRCh38, 1-based): chr1:40,315,613, C>T on the plus strand (G>A on the coding strand, the complement: COL9A2 is on the minus strand). VCF-style: chr1-40315613-C-T. GRCh37 (hg19) VCF-style: chr1-40781285-C-T.
Other names: short protein forms V43M.
Identifiers: ClinVar variation 1511173 (VCV001511173.6), dbSNP rs2124107160, ClinGen allele CA339859653.

ClinVar aggregate classification (germline): Uncertain significance (1 of 4 stars; one submission).

Allele frequency attached by ClinVar (database versions not stated): gnomAD exomes 0.00001.

Submission:

Labcorp Genetics (formerly Invitae), Labcorp
Classification: Uncertain significance. Last evaluated: 2021-08-08. Review status: criteria provided, single submitter. Criteria: Invitae Variant Classification Sherloc (09022015). Collection method: clinical testing. Allele origin: germline.
Comment: In summary, the available evidence is currently insufficient to determine the role of this variant in disease. Therefore, it has been classified as a Variant of Uncertain Significance. Advanced modeling of protein sequence and biophysical properties (such as structural, functional, and spatial information, amino acid conservation, physicochemical variation, residue mobility, and thermodynamic stability) performed at Invitae indicates that this missense variant is not expected to disrupt COL9A2 protein function. This variant has not been reported in the literature in individuals affected with COL9A2-related conditions. This variant is not present in population databases (ExAC no frequency). This sequence change replaces valine with methionine at codon 43 of the COL9A2 protein (p.Val43Met). The valine residue is moderately conserved and there is a small physicochemical difference between valine and methionine.